The following is an entry in ClinVar:

NM_024675.4(PALB2):c.2491C>T (p.Leu831=)

Gene: PALB2 (partner and localizer of BRCA2; minus strand). Cytogenetic location: 16p12.2.
Variant type: single nucleotide variant.
Coding change: c.2491C>T on transcript NM_024675.4 (MANE Select); coding-DNA position 2491, C replaced by T.
Protein change: p.Leu831=; no amino-acid change (leucine 831 retained).
Molecular consequence: synonymous variant. On other transcripts: intron variant (1).
Genome position (GRCh38, 1-based): chr16:23,629,663, G>A on the plus strand (C>T on the coding strand, the complement: PALB2 is on the minus strand). VCF-style: chr16-23629663-G-A. GRCh37 (hg19) VCF-style: chr16-23640984-G-A.
Other names: c.2431C>T, p.Leu811= (NM_001407296.1); c.2491C>T, p.Leu831= (NM_001407297.1, NM_001407300.1, NM_001407301.1 and 3 more transcripts); c.1606C>T, p.Leu536= (NM_001407305.1, NM_001407306.1, NM_001407307.1 and 5 more transcripts); c.703C>T, p.Leu235= (NM_001407312.1, NM_001407313.1); c.49-388C>T (NM_001407314.1).
Identifiers: ClinVar variation 3903941 (VCV003903941.1).
Genomic context (GRCh38, chr16:23,629,663, plus strand): 5'-CCTTCAGAGAAAATTTCACAGAGGAAATGGATTGTACCTGTTCGACGGAATGTTTATGCA[G>A]CTCCTGGCATGTGTTTCTACAGAGCTGATTTTCTTTAAAAGTGAATGACTCAATGGGTGG-3'
Protein context (NP_078951.2, residues 821-841): NQLCRNTCQE[Leu831=]HKHSVEQTET

ClinVar aggregate classification (germline): Benign (1 of 4 stars; one submission).

Conditions:
Familial cancer of breast. Also called: Hereditary breast cancer; hereditary breast carcinoma; BREAST CANCER, FAMILIAL. Identifiers: Orphanet 227535, MedGen C0346153, MONDO:0016419, OMIM 114480. Disease mechanism: loss of function.

gnomAD v4.1: 2 of 1,614,178 alleles (0.00012%); highest among the groups gnomAD compares: South Asian, 0.0011%; no homozygotes.

Submission:

Myriad Genetics, Inc.
Classification: Benign for Familial cancer of breast. Last evaluated: 2025-01-16. Review status: criteria provided, single submitter. Criteria: Myriad Autosomal Dominant, Autosomal Recessive and X-Linked Classification Criteria (2023). Collection method: clinical testing. Allele origin: unknown.
Comment: This variant is considered benign. This variant is a silent/synonymous amino acid change and it is not expected to impact splicing.